The following is an entry in ClinVar:

ClinVar aggregate classification (germline): Uncertain significance (1 of 4 stars; one submission).

gnomAD v4.1: 1 of 1,589,364 alleles (0.000063%); highest among the groups gnomAD compares: East Asian, 0.0023%; no homozygotes.

Submission:

Labcorp Genetics (formerly Invitae), Labcorp
Classification: Uncertain significance. Last evaluated: 2023-10-03. Review status: criteria provided, single submitter. Criteria: Invitae Variant Classification Sherloc (09022015). Collection method: clinical testing. Allele origin: germline.
Comment: This sequence change replaces alanine, which is neutral and non-polar, with glutamic acid, which is acidic and polar, at codon 580 of the CEP78 protein (p.Ala580Glu). This variant is not present in population databases (gnomAD no frequency). This variant has not been reported in the literature in individuals affected with CEP78-related conditions. ClinVar contains an entry for this variant (Variation ID: 2125095). Advanced modeling of protein sequence and biophysical properties (such as structural, functional, and spatial information, amino acid conservation, physicochemical variation, residue mobility, and thermodynamic stability) performed at Invitae indicates that this missense variant is not expected to disrupt CEP78 protein function. In summary, the available evidence is currently insufficient to determine the role of this variant in disease. Therefore, it has been classified as a Variant of Uncertain Significance.

NM_001330691.3(CEP78):c.1736C>A (p.Ala579Glu)

Gene: CEP78 (centrosomal protein 78; plus strand). Cytogenetic location: 9q21.2.
Variant type: single nucleotide variant.
Coding change: c.1736C>A on transcript NM_001330691.3 (MANE Select); coding-DNA position 1736, C replaced by A.
Protein change: p.Ala579Glu; replaces alanine 579 with glutamic acid.
Molecular consequence: missense variant.
Genome position (GRCh38, 1-based): chr9:78,265,482, C>A. VCF-style: chr9-78265482-C-A. GRCh37 (hg19) VCF-style: chr9-80880398-C-A.
Other names: c.1739C>A, p.Ala580Glu (NM_001098802.3, NM_001349839.2, NM_001349840.2 and 1 more transcripts); c.1736C>A, p.Ala579Glu (NM_001330693.3, NM_001330694.2, NM_001349838.2); short protein forms A579E, A580E.
Identifiers: ClinVar variation 2125095 (VCV002125095.4), dbSNP rs747976954, ClinGen allele CA373866281.